The following is an entry in ClinVar:

ClinVar aggregate classification (germline): Benign. Review status: criteria provided, multiple submitters, no conflicts (2 of 4 stars). 3 submissions from 3 submitters: Benign (3). Last evaluated 2025-10-20.

Conditions:
Arrhythmogenic right ventricular dysplasia 9 (ARVD9). Also called: ARRHYTHMOGENIC RIGHT VENTRICULAR DYSPLASIA, FAMILIAL, 9; Arrhythmogenic Right Ventricular Dysplasia/Cardiomyopathy 9. Identifiers: MedGen C1836906, MONDO:0012180, OMIM 609040.

Allele frequency attached by ClinVar (database versions not stated): gnomAD exomes 0.11623; ExAC 0.16138; gnomAD 0.18222 and 0.18935; 1000 Genomes Project 0.30491.

Submissions (3):

Labcorp Genetics (formerly Invitae), Labcorp
Classification: Benign for Arrhythmogenic right ventricular dysplasia 9. Last evaluated: 2025-10-20. Review status: criteria provided, single submitter. Criteria: Invitae Variant Classification Sherloc (09022015). Collection method: clinical testing. Allele origin: germline.

Blueprint Genetics
Classification: Benign. Last evaluated: 2024-11-27. Review status: criteria provided, single submitter. Criteria: ACMG Guidelines, 2015. Collection method: clinical testing. Allele origin: germline.

GeneDx
Classification: Benign. Last evaluated: 2017-04-21. Review status: criteria provided, single submitter. Criteria: GeneDx Variant Classification (06012015). Collection method: clinical testing. Allele origin: germline. Affected: yes.
Comment: This variant is considered likely benign or benign based on one or more of the following criteria: it is a conservative change, it occurs at a poorly conserved position in the protein, it is predicted to be benign by multiple in silico algorithms, and/or has population frequency not consistent with disease.

NM_001005242.3(PKP2):c.2168-21del

Gene: PKP2 (plakophilin 2; minus strand). Cytogenetic location: 12p11.21.
Variant type: Deletion.
Coding change: c.2168-21del on transcript NM_001005242.3 (MANE Select); 21 bases into the intron before coding-DNA position 2168, one base deleted (G; older notation c.2168-21delG).
Molecular consequence: intron variant.
Genome position (GRCh38, 1-based): chr12:32,796,319, C deleted on the plus strand (G on the coding strand, the reverse complement: PKP2 is on the minus strand). VCF-style (leftmost placement, unchanged base first): chr12-32796318-AC-A. GRCh37 (hg19) VCF-style: chr12-32949252-AC-A.
Other names: c.2300-21delG (NM_004572.3); c.2300-21del (NM_004572.4).
Identifiers: ClinVar variation 188660 (VCV000188660.9), dbSNP rs57690055, ClinGen allele CA011885.